The following is an entry in ClinVar:

NM_020533.3(MCOLN1):c.1680C>T (p.Ala560=)

Gene: MCOLN1 (mucolipin TRP cation channel 1; plus strand). Cytogenetic location: 19p13.2.
Variant type: single nucleotide variant.
Coding change: c.1680C>T on transcript NM_020533.3 (MANE Select); coding-DNA position 1680, C replaced by T.
Protein change: p.Ala560=; no amino-acid change (alanine 560 retained).
Molecular consequence: synonymous variant.
Genome position (GRCh38, 1-based): chr19:7,533,627, C>T. VCF-style: chr19-7533627-C-T. GRCh37 (hg19) VCF-style: chr19-7598513-C-T.
Identifiers: ClinVar variation 727968 (VCV000727968.34), dbSNP rs747365638, ClinGen allele CA9139218.

ClinVar aggregate classification (germline): Likely benign. Review status: criteria provided, multiple submitters, no conflicts (2 of 4 stars). 3 submissions from 3 submitters: Likely benign (2). 1 of the submissions does not count toward it. Last evaluated 2026-03-01.

Conditions:
Mucolipidosis type IV (ML4). Also called: ML IV. Identifiers: Orphanet 578, MedGen C0238286, MONDO:0009653, OMIM 252650.

Allele frequency attached by ClinVar (database versions not stated): gnomAD 0.00005 and 0.00006; TOPMed 0.00007.
gnomAD v4.1: 147 of 1,612,366 alleles (0.0091%); highest among the groups gnomAD compares: Non-Finnish European, 0.011%; no homozygotes.

Submissions (3):

CeGaT Center for Human Genetics Tuebingen
Classification: Likely benign. Last evaluated: 2026-03-01. Review status: criteria provided, single submitter. Criteria: CeGaT Center For Human Genetics Tuebingen Variant Classification Criteria Version 2. Collection method: clinical testing. Allele origin: germline. Affected: yes. Observed: 3 variant alleles.
Comment: MCOLN1: BP4, BP7

Labcorp Genetics (formerly Invitae), Labcorp
Classification: Likely benign for Mucolipidosis type IV. Last evaluated: 2026-01-19. Review status: criteria provided, single submitter. Criteria: Invitae Variant Classification Sherloc (09022015). Collection method: clinical testing. Allele origin: germline.

Natera, Inc.
Classification: Likely benign for Mucolipidosis type IV. Last evaluated: 2020-09-16. Review status: no assertion criteria provided. Collection method: clinical testing. Allele origin: germline. Not counted in ClinVar's aggregate classification.